The following is an entry in ClinVar:

ClinVar aggregate classification (germline): Benign/Likely benign. Review status: criteria provided, multiple submitters, no conflicts (2 of 4 stars). 4 submissions from 4 submitters: Benign (2); Likely benign (2). Last evaluated 2024-07-01.

Allele frequency attached by ClinVar (database versions not stated): ESP Exome Variant Server 0.00540; TOPMed 0.00556; gnomAD 0.00605 and 0.00634; gnomAD exomes 0.00772 and 0.00950; 1000 Genomes Project 0.00779; ExAC 0.00901.
gnomAD v4.1: 14,603 of 1,607,174 alleles (0.91%); highest among the groups gnomAD compares: East Asian, 2%; 106 homozygotes.

Submissions (4):

CeGaT Center for Human Genetics Tuebingen
Classification: Benign. Last evaluated: 2024-07-01. Review status: criteria provided, single submitter. Criteria: CeGaT Center For Human Genetics Tuebingen Variant Classification Criteria Version 2. Collection method: clinical testing. Allele origin: germline. Affected: yes. Observed: 15 variant alleles.
Comment: H1-4: BS1, BS2

Labcorp Genetics (formerly Invitae), Labcorp
Classification: Benign. Last evaluated: 2019-12-31. Review status: criteria provided, single submitter. Criteria: Invitae Variant Classification Sherloc (09022015). Collection method: clinical testing. Allele origin: germline.

GeneDx
Classification: Likely benign. Last evaluated: 2019-08-13. Review status: criteria provided, single submitter. Criteria: GeneDx Variant Classification Process June 2021. Collection method: clinical testing. Allele origin: germline. Affected: yes.
Comment: This variant is associated with the following publications: (PMID: 26199320, 25937444)

Breakthrough Genomics
Classification: Likely benign. Review status: criteria provided, single submitter. Criteria: ACMG Guidelines, 2015. Collection method: not provided. Allele origin: germline. Inheritance: Autosomal dominant inheritance. Affected: yes.

NM_005321.3(H1-4):c.455A>G (p.Lys152Arg)

Gene: H1-4 (H1.4 linker histone, cluster member; plus strand). Cytogenetic location: 6p22.2.
Variant type: single nucleotide variant.
Coding change: c.455A>G on transcript NM_005321.3 (MANE Select); coding-DNA position 455, A replaced by G.
Protein change: p.Lys152Arg; replaces lysine 152 with arginine.
Molecular consequence: missense variant.
Genome position (GRCh38, 1-based): chr6:26,156,845, A>G. VCF-style: chr6-26156845-A-G. GRCh37 (hg19) VCF-style: chr6-26157073-A-G.
Other names: short protein forms K152R.
Identifiers: ClinVar variation 773469 (VCV000773469.31), dbSNP rs2298090, ClinGen allele CA3668140.